The following is an entry in ClinVar:

ClinVar aggregate classification (germline): Pathogenic. Review status: criteria provided, multiple submitters, no conflicts (2 of 4 stars). 4 submissions from 4 submitters: Pathogenic (2). 2 of the submissions do not count toward it. Last evaluated 2025-11-04.

Conditions:
Abnormal meiosis. Identifiers: MedGen C4531070, HP:0031515.
Female infertility. Identifiers: MedGen C0021361, MONDO:0021124, HP:0008222.
Stromme syndrome (STROMS). Also called: Ciliary dyskinesia, primary, 31; Strømme Syndrome; APPLE PEEL SYNDROME WITH MICROCEPHALY AND OCULAR ANOMALIES. Identifiers: Orphanet 444069, Orphanet 506307, MedGen C1855705, MONDO:0009477, OMIM 243605.

Submissions (4):

Dasa
Classification: Pathogenic. Last evaluated: 2025-11-04. Review status: criteria provided, single submitter. Criteria: DASA Assertion Criteria. Collection method: clinical testing. Allele origin: germline.
Comment: NM_016343.4(CENPF):c.5920dup (p.Thr1974Asnfs*9) introduces a premature termination codon predicted to result in loss of normal protein function. Loss-of-function is an established mechanism of disease for this gene. Segregation evidence has been reported in affected families. This variant has been recurrently observed in affected individuals with related phenotype in a genotype context consistent with recessive disease (PMID: 38002928; PMID: 28407396). The variant is present at low frequency in population datasets. Based on the available data, this variant is classified as pathogenic.

Juno Genomics, Hangzhou Juno Genomics, Inc
Classification: Pathogenic for Stromme syndrome. Review status: criteria provided, single submitter. Criteria: ACMG Guidelines, 2015. Collection method: clinical testing. Allele origin: germline.
Comment: Absent from controls (or at extremely low frequency if recessive) in Genome Aggregation Database.;Null variant in a gene where loss of function (LOF) is a known mechanism of disease.;For recessive disorders, detected in trans with a pathogenic variant.

State Key Laboratory of Reproductive Medicine and Offspring Health, Nanjing Medical University
Classification: Pathogenic for Female infertility; Abnormal meiosis. Last evaluated: 2026-03-16. Review status: no assertion criteria provided. Collection method: clinical testing. Allele origin: paternal. Affected: yes. Not counted in ClinVar's aggregate classification.

OMIM
Classification: Pathogenic for STROMME SYNDROME. Last evaluated: 2019-02-27. Review status: no assertion criteria provided. Collection method: literature only. Allele origin: germline. Not counted in ClinVar's aggregate classification.

Literature cited by the submitters: PubMed 38002928 (cited by Dasa); PubMed 28407396 (cited by Dasa and OMIM); PubMed 40885416 (cited by State Key Laboratory of Reproductive Medicine and Offspring Health, Nanjing Medical University).

NM_016343.4(CENPF):c.5920dup (p.Thr1974fs)

Gene: CENPF (centromere protein F; plus strand). Cytogenetic location: 1q41.
Variant type: Duplication.
Coding change: c.5920dup on transcript NM_016343.4 (MANE Select); coding-DNA position 5920, one base duplicated (A; older notation c.5920dupA).
Protein change: p.Thr1974fs; shifts the reading frame from threonine 1974.
Molecular consequence: frameshift variant.
Genome position (GRCh38, 1-based): chr1:214,645,490, A duplicated; the last of 8 consecutive A bases (chr1:214,645,483-214,645,490); duplicating any one gives the same sequence. VCF-style (leftmost placement, unchanged base first): chr1-214645482-C-CA. GRCh37 (hg19) VCF-style: chr1-214818825-C-CA.
Other names: c.5913dupA (NM_016343.4); short protein forms T1974fs.
Identifiers: ClinVar variation 619138 (VCV000619138.5), dbSNP rs757531591, ClinGen allele CA1390873.